The following is an entry in ClinVar:

ClinVar aggregate classification (germline): Uncertain significance (1 of 4 stars; one submission).

Submission:

Labcorp Genetics (formerly Invitae), Labcorp
Classification: Uncertain significance. Last evaluated: 2022-07-11. Review status: criteria provided, single submitter. Criteria: Invitae Variant Classification Sherloc (09022015). Collection method: clinical testing. Allele origin: germline.
Comment: In summary, the available evidence is currently insufficient to determine the role of this variant in disease. Therefore, it has been classified as a Variant of Uncertain Significance. Variants that disrupt the consensus splice site are a relatively common cause of aberrant splicing (PMID: 17576681, 9536098). Algorithms developed to predict the effect of sequence changes on RNA splicing suggest that this variant may disrupt the consensus splice site. ClinVar contains an entry for this variant (Variation ID: 1349327). This variant has not been reported in the literature in individuals affected with DSG1-related conditions. This variant is not present in population databases (gnomAD no frequency). This sequence change falls in intron 1 of the DSG1 gene. It does not directly change the encoded amino acid sequence of the DSG1 protein. It affects a nucleotide within the consensus splice site.

Literature cited by the submitters: PubMed 17576681; PubMed 9536098.

NM_001942.4(DSG1):c.48+3G>C

Gene: DSG1 (desmoglein 1; plus strand). Cytogenetic location: 18q12.1.
Variant type: single nucleotide variant.
Coding change: c.48+3G>C on transcript NM_001942.4 (MANE Select); 3 bases into the intron after coding-DNA position 48, G replaced by C.
Molecular consequence: intron variant.
Genome position (GRCh38, 1-based): chr18:31,318,351, G>C. VCF-style: chr18-31318351-G-C. GRCh37 (hg19) VCF-style: chr18-28898314-G-C.
Identifiers: ClinVar variation 1349327 (VCV001349327.6), dbSNP rs2144077513, ClinGen allele CA2573155215.
Genomic context (GRCh38, chr18:31,318,351, plus strand): 5'-TCCAGCAGAGATGGACTGGAGTTTCTTCAGAGTAGTTGCAATGCTGTTCATTTTTCTGGT[G>C]AGTGGATTCTGGTAAAAGTCCTTCATAATCGTGCCCATTGTAAACAAGTGAAAACTTTTT-3'